The following is an entry in ClinVar:

ClinVar aggregate classification (germline): Likely benign. Review status: criteria provided, multiple submitters, no conflicts (2 of 4 stars). 2 submissions from 2 submitters: Likely benign (2). Last evaluated 2024-07-25.

Conditions:
Familial cancer of breast. Also called: BREAST CANCER, FAMILIAL; hereditary breast carcinoma; Hereditary breast cancer. Identifiers: Orphanet 227535, MedGen C0346153, MONDO:0016419, OMIM 114480. Disease mechanism: loss of function.

Allele frequency attached by ClinVar (database versions not stated): gnomAD exomes below 0.00001; TOPMed below 0.00001; gnomAD 0.00001.
gnomAD v4.1: 2 of 1,611,720 alleles (0.00012%); highest among the groups gnomAD compares: Non-Finnish European, 0.00017%; no homozygotes.

Submissions (2):

Myriad Genetics, Inc.
Classification: Likely benign for Familial cancer of breast. Last evaluated: 2024-07-25. Review status: criteria provided, single submitter. Criteria: Myriad Autosomal Dominant, Autosomal Recessive and X-Linked Classification Criteria (2023). Collection method: clinical testing. Allele origin: unknown.
Comment: This variant is considered likely benign. This variant is intronic and is not expected to impact mRNA splicing.

Labcorp Genetics (formerly Invitae), Labcorp
Classification: Likely benign for Familial cancer of breast. Last evaluated: 2023-03-07. Review status: criteria provided, single submitter. Criteria: Invitae Variant Classification Sherloc (09022015). Collection method: clinical testing. Allele origin: germline.

NM_000465.4(BARD1):c.1396-16C>T

Gene: BARD1 (BRCA1 associated RING domain 1; minus strand). Cytogenetic location: 2q35.
Variant type: single nucleotide variant.
Coding change: c.1396-16C>T on transcript NM_000465.4 (MANE Select); 16 bases into the intron before coding-DNA position 1396, C replaced by T.
Molecular consequence: intron variant.
Genome position (GRCh38, 1-based): chr2:214,767,670, G>A on the plus strand (C>T on the coding strand, the complement: BARD1 is on the minus strand). VCF-style: chr2-214767670-G-A. GRCh37 (hg19) VCF-style: chr2-215632394-G-A.
Other names: c.159-15115C>T (NM_001282548.2); c.1339-16C>T (NM_001282543.2); c.216-15115C>T (NM_001282545.2); c.364+24627C>T (NM_001282549.2).
Identifiers: ClinVar variation 2880167 (VCV002880167.4), dbSNP rs1265058185, ClinGen allele CA764582869.
Genomic context (GRCh38, chr2:214,767,670, plus strand): 5'-CAATAATTCCACTACCTTCAGGTGCCCATGATTGCAAGCTTCATGCTAATTAAATTTTTT[G>A]AAAAAGAAGTGAAAGAAGTGATAAGAAAGAGCAATGGATGATATTATAATATCACACTTT-3'